The following is an entry in ClinVar:

NM_001040108.2(MLH3):c.2707G>C (p.Asp903His)

Gene: MLH3 (mutL homolog 3; minus strand). Cytogenetic location: 14q24.3.
Variant type: single nucleotide variant.
Coding change: c.2707G>C on transcript NM_001040108.2 (MANE Select); coding-DNA position 2707, G replaced by C.
Protein change: p.Asp903His; replaces aspartic acid 903 with histidine.
Molecular consequence: missense variant.
Genome position (GRCh38, 1-based): chr14:75,046,949, C>G on the plus strand (G>C on the coding strand, the complement: MLH3 is on the minus strand). VCF-style: chr14-75046949-C-G. GRCh37 (hg19) VCF-style: chr14-75513652-C-G.
Other names: c.2707G>C, p.Asp903His (NM_014381.3); short protein forms D903H.
Identifiers: ClinVar variation 1795001 (VCV001795001.3), dbSNP rs754359771, ClinGen allele CA7275651.
Genomic context (GRCh38, chr14:75,046,949, plus strand): 5'-ATAACATACAAAAATCTTGTGTTAACACACTGCACAACTTGCTGTCTTTCCTACTGGAAT[C>G]TGAATTTGGAAGTTCATTAAAACGACTCATCATCCCCATTGTTTGAGTTTCTCTTTCGGA-3'
Protein context (NP_001035197.1, residues 893-913): MSRFNELPNS[Asp903His]SSRKDSKLCS

ClinVar aggregate classification (germline): Uncertain significance (1 of 4 stars; one submission).

Allele frequency attached by ClinVar (database versions not stated): gnomAD exomes below 0.00001; ExAC 0.00001.
gnomAD v4.1: 1 of 1,614,136 alleles (0.000062%); highest among the groups gnomAD compares: Non-Finnish European, 0.000085%; no homozygotes.

Submission:

Ambry Genetics
Classification: Uncertain significance. Last evaluated: 2024-08-04. Review status: criteria provided, single submitter. Criteria: Ambry Variant Classification Scheme 2023. Collection method: clinical testing. Allele origin: germline.
Comment: The p.D903H variant (also known as c.2707G>C), located in coding exon 1 of the MLH3 gene, results from a G to C substitution at nucleotide position 2707. The aspartic acid at codon 903 is replaced by histidine, an amino acid with similar properties. This amino acid position is conserved. In addition, this alteration is predicted to be tolerated by in silico analysis. Since supporting evidence is limited at this time, the clinical significance of this alteration remains unclear.